The following is an entry in ClinVar:

ClinVar aggregate classification (germline): Uncertain significance (1 of 4 stars; one submission).

Conditions:
RASopathy. Also called: rasopathies; Noonan spectrum disorder. Identifiers: Orphanet 536391, MedGen C5555857, MONDO:0021060.

Submission:

Labcorp Genetics (formerly Invitae), Labcorp
Classification: Uncertain significance for RASopathy. Last evaluated: 2022-06-23. Review status: criteria provided, single submitter. Criteria: Invitae Variant Classification Sherloc (09022015). Collection method: clinical testing. Allele origin: germline.
Comment: This sequence change replaces isoleucine, which is neutral and non-polar, with asparagine, which is neutral and polar, at codon 429 of the CBL protein (p.Ile429Asn). This variant is not present in population databases (gnomAD no frequency). This variant has not been reported in the literature in individuals affected with CBL-related conditions. Advanced modeling of protein sequence and biophysical properties (such as structural, functional, and spatial information, amino acid conservation, physicochemical variation, residue mobility, and thermodynamic stability) performed at Invitae indicates that this missense variant is expected to disrupt CBL protein function. In summary, the available evidence is currently insufficient to determine the role of this variant in disease. Therefore, it has been classified as a Variant of Uncertain Significance.

NM_005188.4(CBL):c.1286T>A (p.Ile429Asn)

Gene: CBL (Cbl proto-oncogene; plus strand). Cytogenetic location: 11q23.3.
Variant type: single nucleotide variant.
Coding change: c.1286T>A on transcript NM_005188.4 (MANE Select); coding-DNA position 1286, T replaced by A.
Protein change: p.Ile429Asn; replaces isoleucine 429 with asparagine.
Molecular consequence: missense variant.
Genome position (GRCh38, 1-based): chr11:119,278,568, T>A. VCF-style: chr11-119278568-T-A. GRCh37 (hg19) VCF-style: chr11-119149278-T-A.
Other names: short protein forms I429N.
Identifiers: ClinVar variation 2009679 (VCV002009679.4), dbSNP rs2135304547, ClinGen allele CA382914052.